The following is an entry in ClinVar:

ClinVar aggregate classification (germline): Uncertain significance (1 of 4 stars; one submission).

Conditions:
Cardiovascular phenotype. Identifiers: MedGen CN230736.

gnomAD v4.1: 3 of 1,610,440 alleles (0.00019%); highest among the groups gnomAD compares: South Asian, 0.0011%; no homozygotes.

Submission:

Ambry Genetics
Classification: Uncertain significance for Cardiovascular phenotype. Last evaluated: 2024-10-07. Review status: criteria provided, single submitter. Criteria: Ambry Variant Classification Scheme 2023. Collection method: clinical testing. Allele origin: germline.
Comment: The p.D1484V variant (also known as c.4451A>T), located in coding exon 11 of the TNXB gene, results from an A to T substitution at nucleotide position 4451. The aspartic acid at codon 1484 is replaced by valine, an amino acid with highly dissimilar properties. This amino acid position is conserved. In addition, this alteration is predicted to be tolerated by in silico analysis. Based on the available evidence, the clinical significance of this variant remains unclear.

NM_001365276.2(TNXB):c.4451A>T (p.Asp1484Val)

Gene: TNXB (tenascin XB; minus strand). Cytogenetic location: 6p21.33.
Variant type: single nucleotide variant.
Coding change: c.4451A>T on transcript NM_001365276.2 (MANE Select); coding-DNA position 4451, A replaced by T.
Protein change: p.Asp1484Val; replaces aspartic acid 1484 with valine.
Molecular consequence: missense variant.
Genome position (GRCh38, 1-based): chr6:32,073,877, T>A on the plus strand (A>T on the coding strand, the complement: TNXB is on the minus strand). VCF-style: chr6-32073877-T-A. GRCh37 (hg19) VCF-style: chr6-32041654-T-A.
Other names: c.5192A>T, p.Asp1731Val (NM_001428335.1); c.4451A>T, p.Asp1484Val (NM_019105.8); short protein forms D1484V, D1731V.
Identifiers: ClinVar variation 3459807 (VCV003459807.1).